The following is an entry in ClinVar:

NM_001378778.1(MPDZ):c.6055G>C (p.Val2019Leu)

Gene: MPDZ (multiple PDZ domain crumbs cell polarity complex component; minus strand). Cytogenetic location: 9p23.
Variant type: single nucleotide variant.
Coding change: c.6055G>C on transcript NM_001378778.1 (MANE Select); coding-DNA position 6055, G replaced by C.
Protein change: p.Val2019Leu; replaces valine 2019 with leucine.
Molecular consequence: missense variant.
Genome position (GRCh38, 1-based): chr9:13,108,947, C>G on the plus strand (G>C on the coding strand, the complement: MPDZ is on the minus strand). VCF-style: chr9-13108947-C-G. GRCh37 (hg19) VCF-style: chr9-13108946-C-G.
Other names: c.5956G>C, p.Val1986Leu (NM_001261406.2, NM_001375416.1, NM_001375417.1 and 1 more transcripts); c.5869G>C, p.Val1957Leu (NM_001261407.2, NM_001375419.1); c.6055G>C, p.Val2019Leu (NM_001330637.2); c.6154G>C, p.Val2052Leu (NM_001375413.1); c.5845G>C, p.Val1949Leu (NM_001375420.1, NM_001375421.1, NM_001375422.1 and 2 more transcripts); c.5758G>C, p.Val1920Leu (NM_001375425.1, NM_001375426.1); c.5647G>C, p.Val1883Leu (NM_001375427.1); c.5968G>C, p.Val1990Leu (NM_003829.5); short protein forms V1986L, V2019L, V1883L, V1920L, V2052L, V1949L, V1957L, V1990L.
Identifiers: ClinVar variation 1376510 (VCV001376510.5), dbSNP rs371963885, ClinGen allele CA4985985.

ClinVar aggregate classification (germline): Uncertain significance (1 of 4 stars; one submission).

Allele frequency attached by ClinVar (database versions not stated): gnomAD exomes below 0.00001; TOPMed 0.00002; ExAC 0.00002; gnomAD 0.00002; ESP Exome Variant Server 0.00017.
gnomAD v4.1: 7 of 1,610,410 alleles (0.00043%); highest among the groups gnomAD compares: African/African-American, 0.004%; no homozygotes.

Submission:

Labcorp Genetics (formerly Invitae), Labcorp
Classification: Uncertain significance. Last evaluated: 2022-09-06. Review status: criteria provided, single submitter. Criteria: Invitae Variant Classification Sherloc (09022015). Collection method: clinical testing. Allele origin: germline.
Comment: This sequence change replaces valine, which is neutral and non-polar, with leucine, which is neutral and non-polar, at codon 1990 of the MPDZ protein (p.Val1990Leu). This variant is present in population databases (rs371963885, gnomAD 0.0009%). This variant has not been reported in the literature in individuals affected with MPDZ-related conditions. ClinVar contains an entry for this variant (Variation ID: 1376510). Algorithms developed to predict the effect of missense changes on protein structure and function are either unavailable or do not agree on the potential impact of this missense change (SIFT: "Deleterious"; PolyPhen-2: "Probably Damaging"; Align-GVGD: "Class C0"). In summary, the available evidence is currently insufficient to determine the role of this variant in disease. Therefore, it has been classified as a Variant of Uncertain Significance.